The following is an entry in ClinVar:

ClinVar aggregate classification (germline): Pathogenic (1 of 4 stars; one submission).

Conditions:
Periodontitis, aggressive. Identifiers: MedGen C0031106, MONDO:0980757.
Papillon-Lefèvre syndrome (PALS). Also called: KERATOSIS PALMOPLANTARIS WITH PERIODONTOPATHIA; Papillon-Lefevre Disease. Identifiers: Orphanet 678, MedGen C0030360, MONDO:0009490, OMIM 245000.
Haim-Munk syndrome (HMS). Also called: COCHIN JEWISH DISORDER; KERATOSIS PALMOPLANTARIS WITH PERIODONTOPATHIA AND ONYCHOGRYPOSIS. Identifiers: Orphanet 2342, MedGen C1855627, MONDO:0009491, OMIM 245010.

Submission:

Labcorp Genetics (formerly Invitae), Labcorp
Classification: Pathogenic for Haim-Munk syndrome; Periodontitis, aggressive; Papillon-Lefèvre syndrome. Last evaluated: 2024-03-16. Review status: criteria provided, single submitter. Criteria: Invitae Variant Classification Sherloc (09022015). Collection method: clinical testing. Allele origin: germline.
Comment: This sequence change creates a premature translational stop signal (p.Leu16Serfs*49) in the CTSC gene. It is expected to result in an absent or disrupted protein product. Loss-of-function variants in CTSC are known to be pathogenic (PMID: 10662808, 11106356, 11886537). This variant is not present in population databases (gnomAD no frequency). This variant has not been reported in the literature in individuals affected with CTSC-related conditions. For these reasons, this variant has been classified as Pathogenic.

Literature cited by the submitters: PubMed 10662808; PubMed 11106356; PubMed 11886537.

NM_001814.6(CTSC):c.45del (p.Leu16fs)

Genes: CTSC (cathepsin C; minus strand), LOC130006572 (ATAC-STARR-seq lymphoblastoid active region 5382; plus strand). Cytogenetic location: 11q14.2.
Variant type: Deletion.
Coding change: c.45del on transcript NM_001814.6 (MANE Select); coding-DNA position 45, one base deleted (T; older notation c.45delT).
Protein change: p.Leu16fs; shifts the reading frame from leucine 16.
Molecular consequence: frameshift variant.
Genome position (GRCh38, 1-based): chr11:88,337,628, A deleted on the plus strand (T on the coding strand, the reverse complement: CTSC is on the minus strand); the first of 2 consecutive A bases (chr11:88,337,628-88,337,629); deleting either gives the same sequence. VCF-style (leftmost placement, unchanged base first): chr11-88337627-GA-G. GRCh37 (hg19) VCF-style: chr11-88070795-GA-G.
Other names: c.45del, p.Leu16fs (NM_001114173.3, NM_148170.5); short protein forms L16fs.
Identifiers: ClinVar variation 3755323 (VCV003755323.2).
Genomic context (GRCh38, chr11:88,337,627, plus strand): 5'-GCAGGTCAAGATAGGTGCAGTTGGCAGGTGTGTCGCAGCGCACGGCGCCGTCGCCGGAGA[GA>G]AGCAGCAGGAGGGCGGCGAGCAGCAAGGAGGGCCCAGCACCCATGCTGCAGGGAGCTGAG-3'